The following is an entry in ClinVar:

ClinVar aggregate classification (germline): Uncertain significance (1 of 4 stars; one submission).

Conditions:
Tuberous sclerosis syndrome (TSC). Also called: Tuberous Sclerosis Complex; Tuberous sclerosis. Identifiers: Orphanet 805, MedGen C0041341, MONDO:0001734.

Submission:

All of Us Research Program, National Institutes of Health
Classification: Uncertain significance for Tuberous sclerosis syndrome. Last evaluated: 2023-08-15. Review status: criteria provided, single submitter. Criteria: ACMG Guidelines, 2015. Collection method: clinical testing. Allele origin: germline. Inheritance: Autosomal dominant inheritance. Observed: 1 variant allele, 1 heterozygote.
Comment: This missense variant replaces proline with threonine at codon 358 of the TSC1 protein. Computational prediction suggests that this variant may have deleterious impact on protein structure and function (internally defined REVEL score threshold >= 0.7, PMID: 27666373). To our knowledge, functional studies have not been reported for this variant. This variant has not been reported in individuals affected with TSC1-related disorders in the literature. This variant has not been identified in the general population by the Genome Aggregation Database (gnomAD). The available evidence is insufficient to determine the role of this variant in disease conclusively. Therefore, this variant is classified as a Variant of Uncertain Significance.

This study involves interpretation of variants in research participants for the purpose of population health screening. Participant phenotype was not available at the time of variant classification. Additional details can be found in publication PMID: 35346344, PMCID: PMC8962531

NM_000368.5(TSC1):c.1072C>A (p.Pro358Thr)

Gene: TSC1 (TSC complex subunit 1; minus strand). Cytogenetic location: 9q34.13.
Variant type: single nucleotide variant.
Coding change: c.1072C>A on transcript NM_000368.5 (MANE Select); coding-DNA position 1072, C replaced by A.
Protein change: p.Pro358Thr; replaces proline 358 with threonine.
Molecular consequence: missense variant. On other transcripts: non-coding transcript variant (5).
Genome position (GRCh38, 1-based): chr9:132,911,071, G>T on the plus strand (C>A on the coding strand, the complement: TSC1 is on the minus strand). VCF-style: chr9-132911071-G-T. GRCh37 (hg19) VCF-style: chr9-135786458-G-T.
Other names: c.709C>A, p.Pro237Thr (NM_001406620.1, NM_001406621.1, NM_001406622.1 and 10 more transcripts); c.1072C>A, p.Pro358Thr (NM_001162426.2, NM_001406592.1, NM_001406593.1 and 16 more transcripts); c.919C>A, p.Pro307Thr (NM_001162427.2, NM_001406610.1, NM_001406611.1 and 2 more transcripts); c.121C>A, p.Pro41Thr (NM_001406628.1, NM_001406626.1, NM_001406627.1); c.22C>A, p.Pro8Thr (NM_001406629.1, NM_001406630.1); short protein forms P237T, P307T, P358T, P41T, P8T.
Identifiers: ClinVar variation 3072761 (VCV003072761.1), dbSNP rs1845931311, ClinGen allele CA375367682.